The following is an entry in ClinVar:

NM_001081.4(CUBN):c.6547A>G (p.Thr2183Ala)

Gene: CUBN (cubilin; minus strand). Cytogenetic location: 10p13.
Variant type: single nucleotide variant.
Coding change: c.6547A>G on transcript NM_001081.4 (MANE Select); coding-DNA position 6547, A replaced by G.
Protein change: p.Thr2183Ala; replaces threonine 2183 with alanine.
Molecular consequence: missense variant.
Genome position (GRCh38, 1-based): chr10:16,925,340, T>C on the plus strand (A>G on the coding strand, the complement: CUBN is on the minus strand). VCF-style: chr10-16925340-T-C. GRCh37 (hg19) VCF-style: chr10-16967339-T-C.
Other names: short protein forms T2183A.
Identifiers: ClinVar variation 1928896 (VCV001928896.5), dbSNP rs780986467, ClinGen allele CA5423645.

ClinVar aggregate classification (germline): Uncertain significance (1 of 4 stars; one submission).

Conditions:
Imerslund-Grasbeck syndrome. Also called: Imerslund-Gräsbeck syndrome; ENTEROCYTE COBALAMIN MALABSORPTION; ENTEROCYTE INTRINSIC FACTOR RECEPTOR, DEFECT OF; PERNICIOUS ANEMIA, JUVENILE, DUE TO SELECTIVE INTESTINAL MALABSORPTION OF VITAMIN B12, WITH PROTEINURIA; Megaloblastic anemia due to inborn errors of metabolism. Identifiers: Orphanet 35858, MedGen C4551825, MONDO:0009853.

Allele frequency attached by ClinVar (database versions not stated): ExAC 0.00001; gnomAD 0.00001; TOPMed 0.00001.
gnomAD v4.1: 6 of 1,613,684 alleles (0.00037%); highest among the groups gnomAD compares: South Asian, 0.0011%; no homozygotes.

Submission:

Labcorp Genetics (formerly Invitae), Labcorp
Classification: Uncertain significance for Imerslund-Grasbeck syndrome. Last evaluated: 2022-06-22. Review status: criteria provided, single submitter. Criteria: Invitae Variant Classification Sherloc (09022015). Collection method: clinical testing. Allele origin: germline.
Comment: This sequence change replaces threonine, which is neutral and polar, with alanine, which is neutral and non-polar, at codon 2183 of the CUBN protein (p.Thr2183Ala). This variant is present in population databases (rs780986467, gnomAD 0.0009%). This variant has not been reported in the literature in individuals affected with CUBN-related conditions. Algorithms developed to predict the effect of missense changes on protein structure and function are either unavailable or do not agree on the potential impact of this missense change (SIFT: "Deleterious"; PolyPhen-2: "Possibly Damaging"; Align-GVGD: "Class C0"). In summary, the available evidence is currently insufficient to determine the role of this variant in disease. Therefore, it has been classified as a Variant of Uncertain Significance.